The following is an entry in ClinVar:

NM_004260.4(RECQL4):c.2312C>A (p.Thr771Lys)

Gene: RECQL4 (RecQ like helicase 4; minus strand). Cytogenetic location: 8q24.3.
Variant type: single nucleotide variant.
Coding change: c.2312C>A on transcript NM_004260.4 (MANE Select); coding-DNA position 2312, C replaced by A.
Protein change: p.Thr771Lys; replaces threonine 771 with lysine.
Molecular consequence: missense variant.
Genome position (GRCh38, 1-based): chr8:144,513,369, G>T on the plus strand (C>A on the coding strand, the complement: RECQL4 is on the minus strand). VCF-style: chr8-144513369-G-T. GRCh37 (hg19) VCF-style: chr8-145738752-G-T.
Other names: short protein forms T771K.
Identifiers: ClinVar variation 945590 (VCV000945590.5), dbSNP rs770327474, ClinGen allele CA372678369.

ClinVar aggregate classification (germline): Uncertain significance (1 of 4 stars; one submission).

Conditions:
Baller-Gerold syndrome (BGS). Also called: CRANIOSYNOSTOSIS WITH RADIAL DEFECTS. Identifiers: Orphanet 1225, MedGen C0265308, MONDO:0009039, OMIM 218600.

Submission:

Labcorp Genetics (formerly Invitae), Labcorp
Classification: Uncertain significance for Baller-Gerold syndrome. Last evaluated: 2019-04-12. Review status: criteria provided, single submitter. Criteria: Invitae Variant Classification Sherloc (09022015). Collection method: clinical testing. Allele origin: germline.
Comment: In summary, the available evidence is currently insufficient to determine the role of this variant in disease. Therefore, it has been classified as a Variant of Uncertain Significance. Algorithms developed to predict the effect of missense changes on protein structure and function are either unavailable or do not agree on the potential impact of this missense change (SIFT: "Deleterious"; PolyPhen-2: Not available; Align-GVGD: "Class C0"). This variant has not been reported in the literature in individuals with RECQL4-related conditions. This variant is not present in population databases (ExAC no frequency). This sequence change replaces threonine with lysine at codon 771 of the RECQL4 protein (p.Thr771Lys). The threonine residue is highly conserved and there is a moderate physicochemical difference between threonine and lysine.